The following is an entry in ClinVar:

NM_001386298.1(CIC):c.6322C>T (p.Arg2108Trp)

Gene: CIC (capicua transcriptional repressor; plus strand). Cytogenetic location: 19q13.2.
Variant type: single nucleotide variant.
Coding change: c.6322C>T on transcript NM_001386298.1 (MANE Select); coding-DNA position 6322, C replaced by T.
Protein change: p.Arg2108Trp; replaces arginine 2108 with tryptophan.
Molecular consequence: missense variant.
Genome position (GRCh38, 1-based): chr19:42,293,081, C>T. VCF-style: chr19-42293081-C-T. GRCh37 (hg19) VCF-style: chr19-42797233-C-T.
Other names: c.6322C>T, p.Arg2108Trp (NM_001304815.2, NM_001379482.1, NM_001379483.1); c.6319C>T, p.Arg2107Trp (NM_001379480.1); c.3595C>T, p.Arg1199Trp (NM_001379484.1, NM_001379485.1, NM_015125.5); short protein forms R1199W, R2108W, R2107W.
Identifiers: ClinVar variation 2319201 (VCV002319201.6), dbSNP rs759679186, ClinGen allele CA9472684.
Genomic context (GRCh38, chr19:42,293,081, plus strand): 5'-AAAGTGAAGGCAGCCATCGCCAGCATTCCCGTGGGGTCCTTTGAGGCAGGTGCCTCTGGG[C>T]GGCCTGGCCCTGCACCCCGGCAGCCTCTGGAGCCTGGCCCAGTCCGAGAGCCAACTGCCC-3'
Protein context (NP_001373227.1, residues 2098-2118): VGSFEAGASG[Arg2108Trp]PGPAPRQPLE

ClinVar aggregate classification (germline): Conflicting classifications of pathogenicity. Review status: criteria provided, conflicting classifications (1 of 4 stars). 3 submissions from 3 submitters: Uncertain significance (2); Likely benign (1). Last evaluated 2026-09-01.

Conditions:
Intellectual developmental disorder, autosomal dominant 45. Also called: MENTAL RETARDATION, AUTOSOMAL DOMINANT 45; Intellectual disability, autosomal dominant 45. Identifiers: MedGen C4539848, MONDO:0030910, OMIM 617600.
Inborn genetic diseases. Identifiers: MedGen C0950123, MeSH D030342.

Allele frequency attached by ClinVar (database versions not stated): gnomAD 0.00005; TOPMed 0.00005; ExAC 0.00006.
gnomAD v4.1: 49 of 1,610,632 alleles (0.003%); highest among the groups gnomAD compares: Middle Eastern, 0.016%; no homozygotes.

Submissions (3):

CeGaT Center for Human Genetics Tuebingen
Classification: Uncertain significance. Last evaluated: 2026-09-01. Review status: criteria provided, single submitter. Criteria: CeGaT Center For Human Genetics Tuebingen Variant Classification Criteria Version 2. Collection method: clinical testing. Allele origin: germline. Affected: yes. Observed: 1 variant allele.
Comment: CIC: PM2:Supporting

Ambry Genetics
Classification: Likely benign for Inborn genetic diseases. Last evaluated: 2022-10-25. Review status: criteria provided, single submitter. Criteria: Ambry Variant Classification Scheme 2023. Collection method: clinical testing. Allele origin: germline.

Laboratorio de Genetica e Diagnostico Molecular, Hospital Israelita Albert Einstein
Classification: Uncertain significance for Intellectual developmental disorder, autosomal dominant 45. Last evaluated: 2022-06-03. Review status: criteria provided, single submitter. Criteria: ACMG Guidelines, 2015. Collection method: clinical testing. Allele origin: germline. Affected: yes.
Comment: ACMG classification criteria: BP4 supporting